The following is an entry in ClinVar:

ClinVar aggregate classification (germline): Uncertain significance (1 of 4 stars; one submission).

Conditions:
Deficiency of aromatic-L-amino-acid decarboxylase. Also called: AADC DEFICIENCY; Aromatic L-Amino Acid Decarboxylase Deficiency; Aromatic amino acid decarboxylase deficiency; DDC DEFICIENCY; DOPA DECARBOXYLASE DEFICIENCY. Identifiers: Orphanet 35708, MedGen C1291564, MONDO:0012084, OMIM 608643.

Allele frequency attached by ClinVar (database versions not stated): gnomAD exomes 0.00001 and 0.00002; TOPMed 0.00001; ExAC 0.00002.
gnomAD v4.1: 31 of 1,613,000 alleles (0.0019%); highest among the groups gnomAD compares: African/African-American, 0.0053%; no homozygotes.

Submission:

Labcorp Genetics (formerly Invitae), Labcorp
Classification: Uncertain significance for Deficiency of aromatic-L-amino-acid decarboxylase. Last evaluated: 2022-07-11. Review status: criteria provided, single submitter. Criteria: Invitae Variant Classification Sherloc (09022015). Collection method: clinical testing. Allele origin: germline.
Comment: This sequence change replaces arginine, which is basic and polar, with glutamine, which is neutral and polar, at codon 476 of the DDC protein (p.Arg476Gln). This variant is present in population databases (rs769418481, gnomAD 0.003%). This variant has not been reported in the literature in individuals affected with DDC-related conditions. ClinVar contains an entry for this variant (Variation ID: 1043174). Algorithms developed to predict the effect of missense changes on protein structure and function output the following: SIFT: "Tolerated"; PolyPhen-2: "Benign"; Align-GVGD: "Class C0". The glutamine amino acid residue is found in multiple mammalian species, which suggests that this missense change does not adversely affect protein function. In summary, the available evidence is currently insufficient to determine the role of this variant in disease. Therefore, it has been classified as a Variant of Uncertain Significance.

NM_001082971.2(DDC):c.1427G>A (p.Arg476Gln)

Gene: DDC (dopa decarboxylase; minus strand). Cytogenetic location: 7p12.2.
Variant type: single nucleotide variant.
Coding change: c.1427G>A on transcript NM_001082971.2 (MANE Select); coding-DNA position 1427, G replaced by A.
Protein change: p.Arg476Gln; replaces arginine 476 with glutamine.
Molecular consequence: missense variant.
Genome position (GRCh38, 1-based): chr7:50,463,247, C>T on the plus strand (G>A on the coding strand, the complement: DDC is on the minus strand). VCF-style: chr7-50463247-C-T. GRCh37 (hg19) VCF-style: chr7-50530945-C-T.
Other names: c.1427G>A, p.Arg476Gln (NM_000790.4); c.1313G>A, p.Arg438Gln (NM_001242886.2); c.1283G>A, p.Arg428Gln (NM_001242887.2); c.1193G>A, p.Arg398Gln (NM_001242888.2); c.1148G>A, p.Arg383Gln (NM_001242889.2); short protein forms R428Q, R476Q, R383Q, R398Q, R438Q.
Identifiers: ClinVar variation 1043174 (VCV001043174.6), dbSNP rs769418481, ClinGen allele CA4261966.